The following is an entry in ClinVar:

NC_000020.10:g.(?_3199143)_(3199298_?)del

Gene: ITPA (inosine triphosphatase; plus strand). Cytogenetic location: 20p13.
Variant type: Deletion.
Identifiers: ClinVar variation 1376693 (VCV001376693.7).

ClinVar aggregate classification (germline): Uncertain significance (1 of 4 stars; one submission).

Conditions:
Inosine triphosphatase deficiency. Also called: INOSINE TRIPHOSPHATE PYROPHOSPHOHYDROLASE DEFICIENCY. Identifiers: MedGen C0342800, MONDO:0013461, OMIM 613850.

Submission:

Labcorp Genetics (formerly Invitae), Labcorp
Classification: Uncertain significance for Inosine triphosphatase deficiency. Last evaluated: 2021-02-23. Review status: criteria provided, single submitter. Criteria: Invitae Variant Classification Sherloc (09022015). Collection method: clinical testing. Allele origin: germline.
Comment: In summary, the available evidence is currently insufficient to determine the role of this variant in disease. Therefore, it has been classified as a Variant of Uncertain Significance. Experimental studies and prediction algorithms are not available or were not evaluated, and the functional significance of this variant is currently unknown. This variant has not been reported in the literature in individuals with ITPA-related conditions. This variant is a gross deletion of the genomic region encompassing exon(s) 6 of the ITPA gene. While this deletion is not anticipated to lead to nonsense mediated decay, it is expected to disrupt the C-terminus of the protein.